The following is an entry in ClinVar:

NM_016734.3(PAX5):c.95C>T (p.Pro32Leu)

Gene: PAX5 (paired box 5; minus strand). Cytogenetic location: 9p13.2.
Variant type: single nucleotide variant.
Coding change: c.95C>T on transcript NM_016734.3 (MANE Select); coding-DNA position 95, C replaced by T.
Protein change: p.Pro32Leu; replaces proline 32 with leucine.
Molecular consequence: missense variant. On other transcripts: non-coding transcript variant (2), intron variant (2).
Genome position (GRCh38, 1-based): chr9:37,020,753, G>A on the plus strand (C>T on the coding strand, the complement: PAX5 is on the minus strand). VCF-style: chr9-37020753-G-A. GRCh37 (hg19) VCF-style: chr9-37020750-G-A.
Other names: c.95C>T, p.Pro32Leu (NM_001280547.2, NM_001280548.2, NM_001280549.2 and 5 more transcripts); c.-112-5559C>T (NM_001280551.2, NM_001280556.2); short protein forms P32L.
Identifiers: ClinVar variation 4527417 (VCV004527417.1).
Genomic context (GRCh38, chr9:37,020,753, plus strand): 5'-CAGGGCCTGACACCTTGATGAGCAAGTTCCACTATCCTCTGGCGGACTACATCCGGGAGT[G>A]GCCGTCCATTCACAAAAACCCCCCCAAGCTGATTCACTCCTCCATGTCCTGAAACAGATC-3'
Protein context (NP_057953.1, residues 22-42): QLGGVFVNGR[Pro32Leu]LPDVVRQRIV

ClinVar aggregate classification (germline): Uncertain significance (1 of 4 stars; one submission).

Submission:

GeneDx
Classification: Uncertain significance. Last evaluated: 2025-04-25. Review status: criteria provided, single submitter. Criteria: GeneDx Variant Classification Process June 2021. Collection method: clinical testing. Allele origin: germline. Affected: yes.
Comment: Not observed at significant frequency in large population cohorts (gnomAD); In silico analysis supports that this missense variant has a deleterious effect on protein structure/function; Has not been previously published as pathogenic or benign to our knowledge